The following is an entry in ClinVar:

ClinVar aggregate classification (germline): Pathogenic (1 of 4 stars; one submission).

Submission:

Labcorp Genetics (formerly Invitae), Labcorp
Classification: Pathogenic. Last evaluated: 2023-09-21. Review status: criteria provided, single submitter. Criteria: Invitae Variant Classification Sherloc (09022015). Collection method: clinical testing. Allele origin: germline.
Comment: For these reasons, this variant has been classified as Pathogenic. ClinVar contains an entry for this variant (Variation ID: 2202938). This premature translational stop signal has been observed in individual(s) with retinitis pigmentosa (PMID: 23591405). This variant is present in population databases (rs748383863, gnomAD 0.002%). This sequence change creates a premature translational stop signal (p.Gly4517Valfs*3) in the USH2A gene. It is expected to result in an absent or disrupted protein product. Loss-of-function variants in USH2A are known to be pathogenic (PMID: 10729113, 10909849, 20507924, 25649381).

Literature cited by the submitters: PubMed 23591405; PubMed 10729113; PubMed 10909849; PubMed 20507924; PubMed 25649381.

NM_206933.4(USH2A):c.13550del (p.Gly4517fs)

Gene: USH2A (usherin; minus strand). Cytogenetic location: 1q41.
Variant type: Deletion.
Coding change: c.13550del on transcript NM_206933.4 (MANE Select); coding-DNA position 13550, one base deleted (G; older notation c.13550delG).
Protein change: p.Gly4517fs; shifts the reading frame from glycine 4517.
Molecular consequence: frameshift variant.
Genome position (GRCh38, 1-based): chr1:215,674,361, C deleted on the plus strand (G on the coding strand, the reverse complement: USH2A is on the minus strand); the first of 5 consecutive C bases (chr1:215,674,361-215,674,365); deleting any one gives the same sequence. VCF-style (leftmost placement, unchanged base first): chr1-215674360-AC-A. GRCh37 (hg19) VCF-style: chr1-215847702-AC-A.
Other names: short protein forms G4517fs.
Identifiers: ClinVar variation 2202938 (VCV002202938.4), dbSNP rs748383863, ClinGen allele CA1393267.